The following is an entry in ClinVar:

NM_006859.4(LIAS):c.73G>C (p.Val25Leu)

Gene: LIAS (lipoic acid synthetase; plus strand). Cytogenetic location: 4p14.
Variant type: single nucleotide variant.
Coding change: c.73G>C on transcript NM_006859.4 (MANE Select); coding-DNA position 73, G replaced by C.
Protein change: p.Val25Leu; replaces valine 25 with leucine.
Molecular consequence: missense variant.
Genome position (GRCh38, 1-based): chr4:39,460,817, G>C. VCF-style: chr4-39460817-G-C. GRCh37 (hg19) VCF-style: chr4-39462437-G-C.
Other names: c.73G>C, p.Val25Leu (NM_001278590.2, NM_001278591.2, NM_001278592.2 and 2 more transcripts); short protein forms V25L.
Identifiers: ClinVar variation 1380107 (VCV001380107.6), dbSNP rs1744445711, ClinGen allele CA356663603.

ClinVar aggregate classification (germline): Uncertain significance (1 of 4 stars; one submission).

Conditions:
Lipoic acid synthetase deficiency. Also called: HYPERGLYCINEMIA, LACTIC ACIDOSIS, AND SEIZURES. Identifiers: Orphanet 401859, MedGen C3280887, MONDO:0013762, OMIM 614462.

Allele frequency attached by ClinVar (database versions not stated): gnomAD exomes below 0.00001; TOPMed below 0.00001.
gnomAD v4.1: 1 of 1,591,648 alleles (0.000063%); highest among the groups gnomAD compares: Non-Finnish European, 0.000085%; no homozygotes.

Submission:

Labcorp Genetics (formerly Invitae), Labcorp
Classification: Uncertain significance for Lipoic acid synthetase deficiency. Last evaluated: 2022-08-31. Review status: criteria provided, single submitter. Criteria: Invitae Variant Classification Sherloc (09022015). Collection method: clinical testing. Allele origin: germline.
Comment: This sequence change replaces valine, which is neutral and non-polar, with leucine, which is neutral and non-polar, at codon 25 of the LIAS protein (p.Val25Leu). This variant is not present in population databases (gnomAD no frequency). This variant has not been reported in the literature in individuals affected with LIAS-related conditions. ClinVar contains an entry for this variant (Variation ID: 1380107). Algorithms developed to predict the effect of missense changes on protein structure and function output the following: SIFT: "Tolerated"; PolyPhen-2: "Benign"; Align-GVGD: "Class C0". The leucine amino acid residue is found in multiple mammalian species, which suggests that this missense change does not adversely affect protein function. In summary, the available evidence is currently insufficient to determine the role of this variant in disease. Therefore, it has been classified as a Variant of Uncertain Significance.